The following is an entry in ClinVar:

ClinVar aggregate classification (germline): Uncertain significance (1 of 4 stars; one submission).

Conditions:
Benign neonatal seizures. Also called: Benign familial neonatal seizures; Benign familial neonatal epilepsy; Benign neonatal familial convulsions; Convulsions benign familial neonatal dominant form; Autosomal dominant form of benign neonatal seizures. Identifiers: Orphanet 1949, MedGen C0220669, MONDO:0016027.

Submission:

Labcorp Genetics (formerly Invitae), Labcorp
Classification: Uncertain significance for Benign neonatal seizures. Last evaluated: 2025-06-22. Review status: criteria provided, single submitter. Criteria: Invitae Variant Classification Sherloc (09022015). Collection method: clinical testing. Allele origin: germline.
Comment: This variant, c.50_58del, results in the deletion of 3 amino acid(s) of the KCNQ3 protein (p.Asp17_Gly19del), but otherwise preserves the integrity of the reading frame. This variant is not present in population databases (gnomAD no frequency). This variant has been observed in individual(s) with clinical features of autosomal dominant developmental and epileptic encephalopathy (internal data). ClinVar contains an entry for this variant (Variation ID: 1390448). Experimental studies and prediction algorithms are not available or were not evaluated, and the functional significance of this variant is currently unknown. In summary, the available evidence is currently insufficient to determine the role of this variant in disease. Therefore, it has been classified as a Variant of Uncertain Significance.

NM_004519.4(KCNQ3):c.50_58del (p.Asp17_Gly19del)

Gene: KCNQ3 (potassium voltage-gated channel subfamily Q member 3; minus strand). Cytogenetic location: 8q24.22.
Variant type: Deletion.
Coding change: c.50_58del on transcript NM_004519.4 (MANE Select); coding-DNA positions 50 to 58, 9 bases deleted (ACGGGGGCG; older notation c.50_58delACGGGGGCG).
Protein change: p.Asp17_Gly19del.
Molecular consequence: inframe deletion.
Genome position (GRCh38, 1-based): chr8:132,480,475-132,480,483, CGCCCCCGT deleted on the plus strand (ACGGGGGCG on the coding strand, the reverse complement: KCNQ3 is on the minus strand); deleting any 9 consecutive bases within chr8:132,480,475-132,480,487 gives the same sequence; the c. name uses the placement nearest the transcript's 3' end. VCF-style (leftmost placement, unchanged base first): chr8-132480474-CCGCCCCCGT-C. GRCh37 (hg19) VCF-style: chr8-133492721-CCGCCCCCGT-C.
Identifiers: ClinVar variation 1390448 (VCV001390448.8), dbSNP rs1281937576, ClinGen allele CA1119383266.
Genomic context (GRCh38, chr8:132,480,474, plus strand): 5'-TCCTCGTCGCCGGCCGCCGCCGCGTCCCCTCCGGCTGGGTTAGCCGCCCCGCCGCCTCCG[CCGCCCCCGT>C]CGCCGCCGCCGCCAGCCGCCCCCGCCGCCCTGCGCGCCTTGAGCCCCATCTGCCTCGCCC-3'